The following is an entry in ClinVar:

NC_000012.11:g.(?_33021841)_(33031986_?)del

Gene: PKP2 (plakophilin 2; minus strand). Cytogenetic location: 12p11.21.
Variant type: Deletion.
Identifiers: ClinVar variation 2425174 (VCV002425174.3).

ClinVar aggregate classification (germline): Pathogenic (1 of 4 stars; one submission).

Conditions:
Arrhythmogenic right ventricular dysplasia 9 (ARVD9). Also called: Arrhythmogenic Right Ventricular Dysplasia/Cardiomyopathy 9; ARRHYTHMOGENIC RIGHT VENTRICULAR DYSPLASIA, FAMILIAL, 9. Identifiers: MedGen C1836906, MONDO:0012180, OMIM 609040.

Submission:

Labcorp Genetics (formerly Invitae), Labcorp
Classification: Pathogenic for Arrhythmogenic right ventricular dysplasia 9. Last evaluated: 2022-10-26. Review status: criteria provided, single submitter. Criteria: Invitae Variant Classification Sherloc (09022015). Collection method: clinical testing. Allele origin: germline.
Comment: This variant is a gross deletion of the genomic region encompassing exon(s) 2-4 of the PKP2 gene. This deletion is out-of-frame, and is expected to create a premature termination codon and result in an absent or disrupted protein product. Loss-of-function variants in PKP2 are known to be pathogenic (PMID: 15489853, 23911551). This variant has not been reported in the literature in individuals affected with PKP2-related conditions. For these reasons, this variant has been classified as Pathogenic.

Literature cited by the submitters: PubMed 15489853; PubMed 23911551.